The following is an entry in ClinVar:

ClinVar aggregate classification (germline): Conflicting classifications of pathogenicity. Review status: criteria provided, conflicting classifications (1 of 4 stars). 3 submissions from 3 submitters: Uncertain significance (1); Likely benign (1). 1 of the submissions does not count toward it. Last evaluated 2026-01-12.

Conditions:
NAGLU-related disorder. Also called: NAGLU-related condition.
Mucopolysaccharidosis, MPS-III-B (MPS3B). Also called: MUCOPOLYSACCHARIDOSIS, TYPE IIIB; N-ACETYL-ALPHA-D-GLUCOSAMINIDASE DEFICIENCY; NAGLU DEFICIENCY; SANFILIPPO SYNDROME B; MPS III B; Mucopolysaccharidosis type IIIB (Sanfilippo B). Identifiers: Orphanet 79270, MedGen C0086648, MONDO:0009656, OMIM 252920.
Charcot-Marie-Tooth disease axonal type 2V. Also called: CHARCOT-MARIE-TOOTH NEUROPATHY, TYPE 2V; CHARCOT-MARIE-TOOTH DISEASE, AXONAL, AUTOSOMAL DOMINANT, TYPE 2V. Identifiers: Orphanet 447964, MedGen C5569050, MONDO:0014665, OMIM 616491.

Allele frequency attached by ClinVar (database versions not stated): gnomAD exomes 0.00005 and 0.00007; TOPMed 0.00002; ESP Exome Variant Server 0.00008; gnomAD 0.00008; ExAC 0.00009.
gnomAD v4.1: 117 of 1,606,930 alleles (0.0073%); highest among the groups gnomAD compares: Non-Finnish European, 0.0088%; no homozygotes.

Submissions (3):

Labcorp Genetics (formerly Invitae), Labcorp
Classification: Likely benign for Charcot-Marie-Tooth disease axonal type 2V; Mucopolysaccharidosis, MPS-III-B. Last evaluated: 2026-01-12. Review status: criteria provided, single submitter. Criteria: Invitae Variant Classification Sherloc (09022015). Collection method: clinical testing. Allele origin: germline.

Illumina Laboratory Services, Illumina
Classification: Uncertain significance for Mucopolysaccharidosis, MPS-III-B. Last evaluated: 2018-01-12. Review status: criteria provided, single submitter. Criteria: ICSL Variant Classification Criteria 13 December 2019. Collection method: clinical testing. Allele origin: germline.

PreventionGenetics, part of Exact Sciences
Classification: Likely benign for NAGLU-related condition. Last evaluated: 2020-01-02. Review status: no assertion criteria provided. Collection method: clinical testing. Allele origin: germline. Not counted in ClinVar's aggregate classification.
Comment: This variant is classified as likely benign based on ACMG/AMP sequence variant interpretation guidelines (Richards et al. 2015 PMID: 25741868, with internal and published modifications).

NM_000263.4(NAGLU):c.1914C>T (p.Tyr638=)

Gene: NAGLU (N-acetyl-alpha-glucosaminidase; plus strand). Cytogenetic location: 17q21.2.
Variant type: single nucleotide variant.
Coding change: c.1914C>T on transcript NM_000263.4 (MANE Select); coding-DNA position 1914, C replaced by T.
Protein change: p.Tyr638=; no amino-acid change (tyrosine 638 retained).
Molecular consequence: synonymous variant.
Genome position (GRCh38, 1-based): chr17:42,543,920, C>T. VCF-style: chr17-42543920-C-T. GRCh37 (hg19) VCF-style: chr17-40695938-C-T.
Identifiers: ClinVar variation 891693 (VCV000891693.14), dbSNP rs369789056, ClinGen allele CA8577120.